The following is an entry in ClinVar:

NM_014679.5(CEP57):c.766G>C (p.Ala256Pro)

Gene: CEP57 (centrosomal protein 57; plus strand). Cytogenetic location: 11q21.
Variant type: single nucleotide variant.
Coding change: c.766G>C on transcript NM_014679.5 (MANE Select); coding-DNA position 766, G replaced by C.
Protein change: p.Ala256Pro; replaces alanine 256 with proline.
Molecular consequence: missense variant.
Genome position (GRCh38, 1-based): chr11:95,821,937, G>C. VCF-style: chr11-95821937-G-C. GRCh37 (hg19) VCF-style: chr11-95555101-G-C.
Other names: c.739G>C, p.Ala247Pro (NM_001243776.2); c.766G>C, p.Ala256Pro (NM_001243777.2); c.685G>C, p.Ala229Pro (NM_001363604.2); short protein forms A229P, A256P, A247P.
Identifiers: ClinVar variation 3633184 (VCV003633184.2).

ClinVar aggregate classification (germline): Uncertain significance (1 of 4 stars; one submission).

Conditions:
Mosaic variegated aneuploidy syndrome 2 (MVA2). Identifiers: Orphanet 1052, MedGen C3279843, MONDO:0013582, OMIM 614114.

gnomAD v4.1: 1 of 1,612,680 alleles (0.000062%); highest among the groups gnomAD compares: South Asian, 0.0011%; no homozygotes.

Submission:

Labcorp Genetics (formerly Invitae), Labcorp
Classification: Uncertain significance for Mosaic variegated aneuploidy syndrome 2. Last evaluated: 2024-02-19. Review status: criteria provided, single submitter. Criteria: Invitae Variant Classification Sherloc (09022015). Collection method: clinical testing. Allele origin: germline.
Comment: This sequence change replaces alanine, which is neutral and non-polar, with proline, which is neutral and non-polar, at codon 256 of the CEP57 protein (p.Ala256Pro). This variant is not present in population databases (gnomAD no frequency). This variant has not been reported in the literature in individuals affected with CEP57-related conditions. Algorithms developed to predict the effect of missense changes on protein structure and function output the following: SIFT: "Not Available"; PolyPhen-2: "Benign"; Align-GVGD: "Not Available". The proline amino acid residue is found in multiple mammalian species, which suggests that this missense change does not adversely affect protein function. In summary, the available evidence is currently insufficient to determine the role of this variant in disease. Therefore, it has been classified as a Variant of Uncertain Significance.